The following is an entry in ClinVar:

ClinVar aggregate classification (germline): Uncertain significance. Review status: criteria provided, multiple submitters, no conflicts (2 of 4 stars). 3 submissions from 3 submitters: Uncertain significance (3). Last evaluated 2024-01-24.

Conditions:
Hereditary cancer-predisposing syndrome. Also called: Hereditary Cancer Syndrome; Tumor predisposition; Neoplastic Syndromes, Hereditary; Hereditary neoplastic syndrome. Identifiers: Orphanet 140162, MedGen C0027672, MeSH D009386, MONDO:0015356.
Hereditary nonpolyposis colorectal neoplasms. Identifiers: MedGen C0009405, MeSH D003123.

Submissions (3):

Labcorp Genetics (formerly Invitae), Labcorp
Classification: Uncertain significance for Hereditary nonpolyposis colorectal neoplasms. Last evaluated: 2024-01-24. Review status: criteria provided, single submitter. Criteria: Invitae Variant Classification Sherloc (09022015). Collection method: clinical testing. Allele origin: germline.
Comment: This sequence change replaces glutamic acid, which is acidic and polar, with glycine, which is neutral and non-polar, at codon 919 of the MSH6 protein (p.Glu919Gly). This variant is not present in population databases (gnomAD no frequency). This variant has not been reported in the literature in individuals affected with MSH6-related conditions. ClinVar contains an entry for this variant (Variation ID: 970568). Advanced modeling of protein sequence and biophysical properties (such as structural, functional, and spatial information, amino acid conservation, physicochemical variation, residue mobility, and thermodynamic stability) performed at Invitae indicates that this missense variant is not expected to disrupt MSH6 protein function with a negative predictive value of 95%. In summary, the available evidence is currently insufficient to determine the role of this variant in disease. Therefore, it has been classified as a Variant of Uncertain Significance.

Color Diagnostics, LLC DBA Color Health
Classification: Uncertain significance for Hereditary cancer-predisposing syndrome. Last evaluated: 2022-12-21. Review status: criteria provided, single submitter. Criteria: ACMG Guidelines, 2015. Collection method: clinical testing. Allele origin: germline.
Comment: This missense variant replaces glutamic acid with glycine at codon 919 of the MSH6 protein. Computational prediction is inconclusive regarding the impact of this variant on protein structure and function (internally defined REVEL score threshold 0.5 < inconclusive < 0.7, PMID: 27666373). To our knowledge, functional studies have not been reported for this variant. This variant has not been reported in individuals affected with MSH6-related disorders in the literature. This variant has not been identified in the general population by the Genome Aggregation Database (gnomAD). The available evidence is insufficient to determine the role of this variant in disease conclusively. Therefore, this variant is classified as a Variant of Uncertain Significance.

Blueprint Genetics
Classification: Uncertain significance. Last evaluated: 2022-06-23. Review status: criteria provided, single submitter. Criteria: ACMG Guidelines, 2015. Collection method: clinical testing. Allele origin: germline.

NM_000179.3(MSH6):c.2756A>G (p.Glu919Gly)

Gene: MSH6 (mutS homolog 6; plus strand). Cytogenetic location: 2p16.3.
Variant type: single nucleotide variant.
Coding change: c.2756A>G on transcript NM_000179.3 (MANE Select); coding-DNA position 2756, A replaced by G.
Protein change: p.Glu919Gly; replaces glutamic acid 919 with glycine.
Molecular consequence: missense variant.
Genome position (GRCh38, 1-based): chr2:47,800,739, A>G. VCF-style: chr2-47800739-A-G. GRCh37 (hg19) VCF-style: chr2-48027878-A-G.
Other names: c.2366A>G, p.Glu789Gly (NM_001281492.2); c.1850A>G, p.Glu617Gly (NM_001281493.2, NM_001281494.2); short protein forms E617G, E919G, E789G.
Identifiers: ClinVar variation 970568 (VCV000970568.13), dbSNP rs1669507683, ClinGen allele CA346755431.